The following is an entry in ClinVar:

ClinVar aggregate classification (germline): Uncertain significance. Review status: criteria provided, multiple submitters, no conflicts (2 of 4 stars). 3 submissions from 3 submitters: Uncertain significance (3). Last evaluated 2023-02-02.

Conditions:
Developmental and epileptic encephalopathy, 50 (DEE50). Also called: Epileptic encephalopathy, early infantile, 50. Identifiers: Orphanet 448010, MedGen C4225320, MONDO:0014647, OMIM 616457.

Allele frequency attached by ClinVar (database versions not stated): TOPMed below 0.00001; ExAC 0.00001; gnomAD 0.00001 and 0.00003; gnomAD exomes 0.00001 and 0.00002; 1000 Genomes Project 30x 0.00031; 1000 Genomes Project 0.00040.
gnomAD v4.1: 32 of 1,614,158 alleles (0.002%); highest among the groups gnomAD compares: East Asian, 0.011%; no homozygotes.

Submissions (3):

Revvity Omics, Revvity
Classification: Uncertain significance for Developmental and epileptic encephalopathy, 50. Last evaluated: 2023-02-02. Review status: criteria provided, single submitter. Criteria: ACMG Guidelines, 2015. Collection method: clinical testing. Allele origin: germline.

Labcorp Genetics (formerly Invitae), Labcorp
Classification: Uncertain significance. Last evaluated: 2022-07-25. Review status: criteria provided, single submitter. Criteria: Invitae Variant Classification Sherloc (09022015). Collection method: clinical testing. Allele origin: germline.
Comment: This sequence change replaces arginine, which is basic and polar, with histidine, which is basic and polar, at codon 2122 of the CAD protein (p.Arg2122His). This variant is present in population databases (rs553324190, gnomAD 0.02%). This variant has not been reported in the literature in individuals affected with CAD-related conditions. ClinVar contains an entry for this variant (Variation ID: 960599). Algorithms developed to predict the effect of missense changes on protein structure and function (SIFT, PolyPhen-2, Align-GVGD) all suggest that this variant is likely to be tolerated. In summary, the available evidence is currently insufficient to determine the role of this variant in disease. Therefore, it has been classified as a Variant of Uncertain Significance.

GeneDx
Classification: Uncertain significance. Last evaluated: 2019-10-13. Review status: criteria provided, single submitter. Criteria: GeneDx Variant Classification Process June 2021. Collection method: clinical testing. Allele origin: germline. Affected: yes.
Comment: Has not been previously published as pathogenic or benign to our knowledge; In silico analysis, which includes protein predictors and evolutionary conservation, supports that this variant does not alter protein structure/function

NM_004341.5(CAD):c.6365G>A (p.Arg2122His)

Genes: CAD (carbamoyl-phosphate synthetase 2, aspartate transcarbamylase, and dihydroorotase; plus strand), LOC126806172 (CDK7 strongly-dependent group 2 enhancer GRCh37_chr2:27465505-27466704; plus strand). Cytogenetic location: 2p23.3.
Variant type: single nucleotide variant.
Coding change: c.6365G>A on transcript NM_004341.5 (MANE Select); coding-DNA position 6365, G replaced by A.
Protein change: p.Arg2122His; replaces arginine 2122 with histidine.
Molecular consequence: missense variant.
Genome position (GRCh38, 1-based): chr2:27,242,762, G>A. VCF-style: chr2-27242762-G-A. GRCh37 (hg19) VCF-style: chr2-27465630-G-A.
Other names: c.6176G>A, p.Arg2059His (NM_001306079.2); short protein forms R2059H, R2122H.
Identifiers: ClinVar variation 960599 (VCV000960599.11), dbSNP rs553324190, ClinGen allele CA1574178.